The following is an entry in ClinVar:

ClinVar aggregate classification (germline): Uncertain significance (1 of 4 stars; one submission).

Submission:

GeneDx
Classification: Uncertain significance. Last evaluated: 2017-10-30. Review status: criteria provided, single submitter. Criteria: GeneDx Variant Classification (06012015). Collection method: clinical testing. Allele origin: germline. Affected: yes.
Comment: The C2395F variant in the LYST gene has not been reported previously as a pathogenic variant, nor as a benign variant, to our knowledge. The C2395F variant is not observed in large population cohorts (Lek et al., 2016). The C2395F variant is a non-conservative amino acid substitution, which is likely to impact secondary protein structure as these residues differ in polarity, charge, size and/or other properties. This substitution occurs at a position that is not conserved. In silico analysis predicts this variant is probably damaging to the protein structure/function. We interpret C2395F as a variant of uncertain significance.

NM_000081.4(LYST):c.7184G>T (p.Cys2395Phe)

Gene: LYST (lysosomal trafficking regulator; minus strand). Cytogenetic location: 1q42.3.
Variant type: single nucleotide variant.
Coding change: c.7184G>T on transcript NM_000081.4 (MANE Select); coding-DNA position 7184, G replaced by T.
Protein change: p.Cys2395Phe; replaces cysteine 2395 with phenylalanine.
Molecular consequence: missense variant.
Genome position (GRCh38, 1-based): chr1:235,755,523, C>A on the plus strand (G>T on the coding strand, the complement: LYST is on the minus strand). VCF-style: chr1-235755523-C-A. GRCh37 (hg19) VCF-style: chr1-235918823-C-A.
Other names: c.7184G>T, p.Cys2395Phe (NM_001301365.1); short protein forms C2395F.
Identifiers: ClinVar variation 453050 (VCV000453050.2), dbSNP rs760878646, ClinGen allele CA344934349.